The following is an entry in ClinVar:

NM_003872.3(NRP2):c.2343C>T (p.Ser781=)

Gene: NRP2 (neuropilin 2; plus strand). Cytogenetic location: 2q33.3.
Variant type: single nucleotide variant.
Coding change: c.2343C>T on transcript NM_003872.3 (MANE Select); coding-DNA position 2343, C replaced by T.
Protein change: p.Ser781=; no amino-acid change (serine 781 retained).
Molecular consequence: synonymous variant.
Genome position (GRCh38, 1-based): chr2:205,765,509, C>T. VCF-style: chr2-205765509-C-T. GRCh37 (hg19) VCF-style: chr2-206630233-C-T.
Other names: c.2343C>T, p.Ser781= (NM_018534.4, NM_201266.2, NM_201267.2 and 1 more transcripts).
Identifiers: ClinVar variation 3358248 (VCV003358248.1).

ClinVar aggregate classification (germline): Likely benign (0 of 4 stars; one submission).

Conditions:
NRP2-related disorder. Also called: NRP2-related condition.

gnomAD v4.1: 97 of 1,613,904 alleles (0.006%); highest among the groups gnomAD compares: East Asian, 0.033%; no homozygotes.

Submission:

PreventionGenetics, part of Exact Sciences
Classification: Likely benign for NRP2-related condition. Last evaluated: 2022-10-07. Review status: no assertion criteria provided. Collection method: clinical testing. Allele origin: germline.
Comment: This variant is classified as likely benign based on ACMG/AMP sequence variant interpretation guidelines (Richards et al. 2015 PMID: 25741868, with internal and published modifications).